The following is an entry in ClinVar:

NM_012472.6(DNAAF11):c.1291A>G (p.Ile431Val)

Gene: DNAAF11 (dynein axonemal assembly factor 11; minus strand). Cytogenetic location: 8q24.22.
Variant type: single nucleotide variant.
Coding change: c.1291A>G on transcript NM_012472.6 (MANE Select); coding-DNA position 1291, A replaced by G.
Protein change: p.Ile431Val; replaces isoleucine 431 with valine.
Molecular consequence: missense variant. On other transcripts: non-coding transcript variant (10).
Genome position (GRCh38, 1-based): chr8:132,572,416, T>C on the plus strand (A>G on the coding strand, the complement: DNAAF11 is on the minus strand). VCF-style: chr8-132572416-T-C. GRCh37 (hg19) VCF-style: chr8-133584664-T-C.
Other names: c.1231A>G, p.Ile411Val (NM_001321961.2); c.1045A>G, p.Ile349Val (NM_001321962.2); c.931A>G, p.Ile311Val (NM_001321963.2, NM_001321964.2, NM_001321965.2); c.871A>G, p.Ile291Val (NM_001321966.2); short protein forms I291V, I349V, I311V, I411V, I431V.
Identifiers: ClinVar variation 3659748 (VCV003659748.2).

ClinVar aggregate classification (germline): Uncertain significance (1 of 4 stars; one submission).

Conditions:
Primary ciliary dyskinesia 19. Also called: CILIARY DYSKINESIA, PRIMARY, 19, WITH OR WITHOUT SITUS INVERSUS. Identifiers: Orphanet 244, MedGen C3543826, MONDO:0013979, OMIM 614935.

gnomAD v4.1: 8 of 1,613,674 alleles (0.0005%); highest among the groups gnomAD compares: South Asian, 0.0011%; no homozygotes.

Submission:

Labcorp Genetics (formerly Invitae), Labcorp
Classification: Uncertain significance for Primary ciliary dyskinesia 19. Last evaluated: 2024-07-17. Review status: criteria provided, single submitter. Criteria: Invitae Variant Classification Sherloc (09022015). Collection method: clinical testing. Allele origin: germline.
Comment: This sequence change replaces isoleucine, which is neutral and non-polar, with valine, which is neutral and non-polar, at codon 431 of the LRRC6 protein (p.Ile431Val). This variant is not present in population databases (gnomAD no frequency). This variant has not been reported in the literature in individuals affected with LRRC6-related conditions. Advanced modeling of protein sequence and biophysical properties (such as structural, functional, and spatial information, amino acid conservation, physicochemical variation, residue mobility, and thermodynamic stability) performed at Invitae indicates that this missense variant is not expected to disrupt LRRC6 protein function with a negative predictive value of 80%. In summary, the available evidence is currently insufficient to determine the role of this variant in disease. Therefore, it has been classified as a Variant of Uncertain Significance.